The following is an entry in ClinVar:

NM_017813.5(BPNT2):c.-146A>C

Genes: BPNT2 (3'(2'), 5'-bisphosphate nucleotidase 2; minus strand), LOC130000433 (ATAC-STARR-seq lymphoblastoid silent region 19212; plus strand). Cytogenetic location: 8q12.1.
Variant type: single nucleotide variant.
Coding change: c.-146A>C on transcript NM_017813.5 (MANE Select); 146 bases upstream of the start codon, A replaced by C.
Molecular consequence: 5 prime UTR variant.
Genome position (GRCh38, 1-based): chr8:56,993,731, T>G on the plus strand (A>C on the coding strand, the complement: BPNT2 is on the minus strand). VCF-style: chr8-56993731-T-G. GRCh37 (hg19) VCF-style: chr8-57906290-T-G.
Identifiers: ClinVar variation 363412 (VCV000363412.6), dbSNP rs537853348, ClinGen allele CA10631382.
Genomic context (GRCh38, chr8:56,993,731, plus strand): 5'-GGCCAGGCGCCGCGCGGGCTACACTGGCGCCCGCTCCCCGGCCCCGGTGCGCCCCATCAC[T>G]CCCTCCCAGGAAAGGCCGAGTTGCGCCGCGAAGACCACCAACGCCGCCCCGCGCGCCTGA-3'

ClinVar aggregate classification (germline): Likely benign. Review status: criteria provided, multiple submitters, no conflicts (2 of 4 stars). 2 submissions from 2 submitters: Likely benign (2). Last evaluated 2018-01-13.

Conditions:
Chondrodysplasia with joint dislocations, gPAPP type. Also called: GPAPP DEFICIENCY. Identifiers: Orphanet 280586, MedGen C3279757, MONDO:0013561, OMIM 614078.

Allele frequency attached by ClinVar (database versions not stated): gnomAD exomes 0.00016; gnomAD 0.00083 and 0.00084; TOPMed 0.00086; 1000 Genomes Project 0.00120; 1000 Genomes Project 30x 0.00141.
gnomAD v4.1: 265 of 970,844 alleles (0.027%); highest among the groups gnomAD compares: Middle Eastern, 0.21%; no homozygotes.

Submissions (2):

Illumina Laboratory Services, Illumina
Classification: Likely benign for Chondrodysplasia with joint dislocations, gPAPP type. Last evaluated: 2018-01-13. Review status: criteria provided, single submitter. Criteria: ICSL Variant Classification Criteria 13 December 2019. Collection method: clinical testing. Allele origin: germline.
Comment: This variant was observed in the ICSL laboratory as part of a predisposition screen in an ostensibly healthy population. It had not been previously curated by ICSL or reported in the Human Gene Mutation Database (HGMD: prior to June 1st, 2018), and was therefore a candidate for classification through an automated scoring system. Utilizing variant allele frequency, disease prevalence and penetrance estimates, and inheritance mode, an automated score was calculated to assess if this variant is too frequent to cause the disease. Based on the score and internal cut-off values, a variant classified as likely benign is not then subjected to further curation. The score for this variant resulted in a classification of likely benign for this disease.

Breakthrough Genomics
Classification: Likely benign. Review status: criteria provided, single submitter. Criteria: ACMG Guidelines, 2015. Collection method: not provided. Allele origin: germline. Inheritance: Autosomal recessive inheritance. Affected: yes.